The following is an entry in ClinVar:

ClinVar aggregate classification (germline): Benign. Review status: criteria provided, multiple submitters, no conflicts (2 of 4 stars). 3 submissions from 3 submitters: Benign (3). Last evaluated 2018-08-31.

Conditions:
Autosomal dominant cerebellar ataxia. Also called: Spinocerebellar Ataxia, Dominant. Identifiers: Orphanet 99, MedGen C4087347, MONDO:0020380.

Allele frequency attached by ClinVar (database versions not stated): gnomAD exomes 0.01790 and 0.03732; gnomAD 0.02400; TOPMed 0.02719; 1000 Genomes Project 30x 0.06715; 1000 Genomes Project 0.07208; ExAC 0.07231.
gnomAD v4.1: 24,840 of 1,276,050 alleles (1.9%); highest among the groups gnomAD compares: South Asian, 18%; 1,678 homozygotes.

Submissions (9):

GeneDx
Classification: Benign. Last evaluated: 2018-08-31. Review status: criteria provided, single submitter. Criteria: GeneDx Variant Classification Process June 2021. Collection method: clinical testing. Allele origin: germline. Affected: yes.

Illumina Laboratory Services, Illumina
Classification: Benign for Spinocerebellar Ataxia, Dominant. Last evaluated: 2018-01-13. Review status: criteria provided, single submitter. Criteria: ICSL Variant Classification Criteria 13 December 2019. Collection method: clinical testing. Allele origin: germline.
Comment: This variant was observed in the ICSL laboratory as part of a predisposition screen in an ostensibly healthy population. It had not been previously curated by ICSL or reported in the Human Gene Mutation Database (HGMD: prior to June 1st, 2018), and was therefore a candidate for classification through an automated scoring system. Utilizing variant allele frequency, disease prevalence and penetrance estimates, and inheritance mode, an automated score was calculated to assess if this variant is too frequent to cause the disease. Based on the score and internal cut-off values, a variant classified as benign is not then subjected to further curation. The score for this variant resulted in a classification of benign for this disease.

Breakthrough Genomics
Classification: Benign. Review status: criteria provided, single submitter. Criteria: ACMG Guidelines, 2015. Collection method: not provided. Allele origin: germline. Inheritance: Autosomal dominant inheritance. Affected: yes.

Dr. Peter K. Rogan Lab, Western University
No classification provided (evidence only). Condition: Familial cancer of breast. Review status: no classification provided. Collection method: in vitro. Allele origin: not applicable. Functional consequence: retained intron. Not counted in ClinVar's aggregate classification.

Dr. Peter K. Rogan Lab, Western University
No classification provided (evidence only). Condition: Familial cancer of breast. Review status: no classification provided. Collection method: in vitro. Allele origin: not applicable. Functional consequence: retained intron. Not counted in ClinVar's aggregate classification.

Dr. Peter K. Rogan Lab, Western University
No classification provided (evidence only). Condition: Acute myeloid leukemia. Review status: no classification provided. Collection method: in vitro. Allele origin: not applicable. Functional consequence: retained intron. Not counted in ClinVar's aggregate classification.

Dr. Peter K. Rogan Lab, Western University
No classification provided (evidence only). Condition: Cervical cancer. Review status: no classification provided. Collection method: in vitro. Allele origin: not applicable. Functional consequence: retained intron. Not counted in ClinVar's aggregate classification.

Dr. Peter K. Rogan Lab, Western University
No classification provided (evidence only). Condition: Malignant tumor of esophagus. Review status: no classification provided. Collection method: in vitro. Allele origin: not applicable. Functional consequence: retained intron. Not counted in ClinVar's aggregate classification.

Dr. Peter K. Rogan Lab, Western University
No classification provided (evidence only). Condition: Malignant tumor of esophagus. Review status: no classification provided. Collection method: in vitro. Allele origin: not applicable. Functional consequence: retained intron. Not counted in ClinVar's aggregate classification.

NM_001378452.1(ITPR1):c.*48T>G

Gene: ITPR1 (inositol 1,4,5-trisphosphate receptor type 1; plus strand). Cytogenetic location: 3p26.1.
Variant type: single nucleotide variant.
Coding change: c.*48T>G on transcript NM_001378452.1 (MANE Select); 48 bases downstream of the stop codon, T replaced by G.
Molecular consequence: 3 prime UTR variant.
Genome position (GRCh38, 1-based): chr3:4,846,273, T>G. VCF-style: chr3-4846273-T-G. GRCh37 (hg19) VCF-style: chr3-4887957-T-G.
Other names: NC_000003.11:g.4887957T>G; c.*48T>G (NM_001099952.4, NM_001168272.2, NM_002222.7).
Identifiers: ClinVar variation 345898 (VCV000345898.9), dbSNP rs77764633, ClinGen allele CA2233116.